The following is an entry in ClinVar:

NM_001734.5(C1S):c.1601G>A (p.Arg534Gln)

Gene: C1S (complement C1s; plus strand). Cytogenetic location: 12p13.31.
Variant type: single nucleotide variant.
Coding change: c.1601G>A on transcript NM_001734.5 (MANE Select); coding-DNA position 1601, G replaced by A.
Protein change: p.Arg534Gln; replaces arginine 534 with glutamine.
Molecular consequence: missense variant.
Genome position (GRCh38, 1-based): chr12:7,070,185, G>A. VCF-style: chr12-7070185-G-A. GRCh37 (hg19) VCF-style: chr12-7177489-G-A.
Other names: c.1601G>A (NM_201442.2); c.1100G>A, p.Arg367Gln (NM_001346850.2); c.1601G>A, p.Arg534Gln (NM_201442.4); short protein forms R367Q, R534Q.
Identifiers: ClinVar variation 1950967 (VCV001950967.6), dbSNP rs781938303, ClinGen allele CA6423814.

ClinVar aggregate classification (germline): Conflicting classifications of pathogenicity. Review status: criteria provided, conflicting classifications (1 of 4 stars). 2 submissions from 2 submitters: Uncertain significance (1); Likely benign (1). Last evaluated 2025-08-10.

Conditions:
Inborn genetic diseases. Identifiers: MedGen C0950123, MeSH D030342.

Allele frequency attached by ClinVar (database versions not stated): ExAC 0.00001; gnomAD exomes 0.00001; TOPMed 0.00001.
gnomAD v4.1: 8 of 1,614,130 alleles (0.0005%); highest among the groups gnomAD compares: Admixed American, 0.005%; no homozygotes.

Submissions (2):

Ambry Genetics
Classification: Likely benign for Inborn genetic diseases. Last evaluated: 2025-08-10. Review status: criteria provided, single submitter. Criteria: Ambry Variant Classification Scheme 2023. Collection method: clinical testing. Allele origin: germline.

Labcorp Genetics (formerly Invitae), Labcorp
Classification: Uncertain significance. Last evaluated: 2023-07-08. Review status: criteria provided, single submitter. Criteria: Invitae Variant Classification Sherloc (09022015). Collection method: clinical testing. Allele origin: germline.
Comment: In summary, the available evidence is currently insufficient to determine the role of this variant in disease. Therefore, it has been classified as a Variant of Uncertain Significance. Advanced modeling of protein sequence and biophysical properties (such as structural, functional, and spatial information, amino acid conservation, physicochemical variation, residue mobility, and thermodynamic stability) performed at Invitae indicates that this missense variant is not expected to disrupt C1S protein function. ClinVar contains an entry for this variant (Variation ID: 1950967). This variant has not been reported in the literature in individuals affected with C1S-related conditions. This variant is present in population databases (rs781938303, gnomAD 0.009%). This sequence change replaces arginine, which is basic and polar, with glutamine, which is neutral and polar, at codon 534 of the C1S protein (p.Arg534Gln).